The following is an entry in ClinVar:

NM_001005242.3(PKP2):c.536A>G (p.His179Arg)

Gene: PKP2 (plakophilin 2; minus strand). Cytogenetic location: 12p11.21.
Variant type: single nucleotide variant.
Coding change: c.536A>G on transcript NM_001005242.3 (MANE Select); coding-DNA position 536, A replaced by G.
Protein change: p.His179Arg; replaces histidine 179 with arginine.
Molecular consequence: missense variant.
Genome position (GRCh38, 1-based): chr12:32,878,344, T>C on the plus strand (A>G on the coding strand, the complement: PKP2 is on the minus strand). VCF-style: chr12-32878344-T-C. GRCh37 (hg19) VCF-style: chr12-33031278-T-C.
Other names: c.536A>G, p.His179Arg (NM_004572.4); short protein forms H179R.
Identifiers: ClinVar variation 1001240 (VCV001001240.10), dbSNP rs1371222715, ClinGen allele CA384364649.

ClinVar aggregate classification (germline): Conflicting classifications of pathogenicity. Review status: criteria provided, conflicting classifications (1 of 4 stars). 3 submissions from 3 submitters: Uncertain significance (2); Likely benign (1). Last evaluated 2025-11-18.

Conditions:
Cardiovascular phenotype. Identifiers: MedGen CN230736.
Arrhythmogenic right ventricular dysplasia 9 (ARVD9). Also called: ARRHYTHMOGENIC RIGHT VENTRICULAR DYSPLASIA, FAMILIAL, 9; Arrhythmogenic Right Ventricular Dysplasia/Cardiomyopathy 9. Identifiers: MedGen C1836906, MONDO:0012180, OMIM 609040.

Allele frequency attached by ClinVar (database versions not stated): TOPMed below 0.00001; gnomAD 0.00001.
gnomAD v4.1: 1 of 1,613,108 alleles (0.000062%); highest among the groups gnomAD compares: African/African-American, 0.0013%; no homozygotes.

Submissions (3):

Labcorp Genetics (formerly Invitae), Labcorp
Classification: Uncertain significance for Arrhythmogenic right ventricular dysplasia 9. Last evaluated: 2025-11-18. Review status: criteria provided, single submitter. Criteria: Invitae Variant Classification Sherloc (09022015). Collection method: clinical testing. Allele origin: germline.
Comment: This sequence change replaces histidine, which is basic and polar, with arginine, which is basic and polar, at codon 179 of the PKP2 protein (p.His179Arg). This variant is not present in population databases (gnomAD no frequency). This variant has not been reported in the literature in individuals affected with PKP2-related conditions. ClinVar contains an entry for this variant (Variation ID: 1001240). An algorithm developed to predict the effect of missense changes on protein structure and function outputs the following: PolyPhen-2: "Benign". The arginine amino acid residue is found in multiple mammalian species, which suggests that this missense change does not adversely affect protein function. In summary, the available evidence is currently insufficient to determine the role of this variant in disease. Therefore, it has been classified as a Variant of Uncertain Significance.

Ambry Genetics
Classification: Likely benign for Cardiovascular phenotype. Last evaluated: 2023-11-08. Review status: criteria provided, single submitter. Criteria: Ambry Variant Classification Scheme 2023. Collection method: clinical testing. Allele origin: germline.

Fulgent Genetics
Classification: Uncertain significance for Arrhythmogenic right ventricular dysplasia 9. Last evaluated: 2021-08-20. Review status: criteria provided, single submitter. Criteria: ACMG Guidelines, 2015. Collection method: clinical testing. Allele origin: unknown.